The following is an entry in ClinVar:

NM_001040108.2(MLH3):c.1057T>G (p.Leu353Val)

Gene: MLH3 (mutL homolog 3; minus strand). Cytogenetic location: 14q24.3.
Variant type: single nucleotide variant.
Coding change: c.1057T>G on transcript NM_001040108.2 (MANE Select); coding-DNA position 1057, T replaced by G.
Protein change: p.Leu353Val; replaces leucine 353 with valine.
Molecular consequence: missense variant.
Genome position (GRCh38, 1-based): chr14:75,048,599, A>C on the plus strand (T>G on the coding strand, the complement: MLH3 is on the minus strand). VCF-style: chr14-75048599-A-C. GRCh37 (hg19) VCF-style: chr14-75515302-A-C.
Other names: c.1057T>G, p.Leu353Val (NM_014381.3); short protein forms L353V.
Identifiers: ClinVar variation 4705832 (VCV004705832.1).

ClinVar aggregate classification (germline): Uncertain significance (1 of 4 stars; one submission).

Conditions:
Colorectal cancer, hereditary nonpolyposis, type 7. Identifiers: Orphanet 144, MedGen C1858380, MONDO:0013725, OMIM 614385.

Submission:

Labcorp Genetics (formerly Invitae), Labcorp
Classification: Uncertain significance for Colorectal cancer, hereditary nonpolyposis, type 7. Last evaluated: 2025-09-24. Review status: criteria provided, single submitter. Criteria: Invitae Variant Classification Sherloc (09022015). Collection method: clinical testing. Allele origin: germline.
Comment: This sequence change replaces leucine, which is neutral and non-polar, with valine, which is neutral and non-polar, at codon 353 of the MLH3 protein (p.Leu353Val). This variant is not present in population databases (gnomAD no frequency). This variant has not been reported in the literature in individuals affected with MLH3-related conditions. An algorithm developed to predict the effect of missense changes on protein structure and function (PolyPhen-2) suggests that this variant is likely to be disruptive. In summary, the available evidence is currently insufficient to determine the role of this variant in disease. Therefore, it has been classified as a Variant of Uncertain Significance.